The following is an entry in ClinVar:

ClinVar aggregate classification (germline): Pathogenic (1 of 4 stars; one submission).

Conditions:
Fanconi anemia (FA). Also called: Fanconi's anemia. Identifiers: Orphanet 84, MedGen C0015625, MeSH D005199, MONDO:0019391.

Submission:

Labcorp Genetics (formerly Invitae), Labcorp
Classification: Pathogenic for Fanconi anemia. Last evaluated: 2022-09-06. Review status: criteria provided, single submitter. Criteria: Invitae Variant Classification Sherloc (09022015). Collection method: clinical testing. Allele origin: germline.
Comment: For these reasons, this variant has been classified as Pathogenic. ClinVar contains an entry for this variant (Variation ID: 1410556). This variant has not been reported in the literature in individuals affected with FANCM-related conditions. This variant is not present in population databases (gnomAD no frequency). This sequence change creates a premature translational stop signal (p.Glu1826*) in the FANCM gene. It is expected to result in an absent or disrupted protein product. Loss-of-function variants in FANCM are known to be pathogenic (PMID: 29895858, 30075111).

Literature cited by the submitters: PubMed 29895858; PubMed 30075111.

NM_020937.4(FANCM):c.5476G>T (p.Glu1826Ter)

Gene: FANCM (FA complementation group M; plus strand). Cytogenetic location: 14q21.2.
Variant type: single nucleotide variant.
Coding change: c.5476G>T on transcript NM_020937.4 (MANE Select); coding-DNA position 5476, G replaced by T.
Protein change: p.Glu1826Ter; replaces glutamic acid 1826 with a stop codon.
Molecular consequence: nonsense.
Genome position (GRCh38, 1-based): chr14:45,196,307, G>T. VCF-style: chr14-45196307-G-T. GRCh37 (hg19) VCF-style: chr14-45665510-G-T.
Other names: c.5398G>T, p.Glu1800Ter (NM_001308133.2); short protein forms E1826*, E1800*.
Identifiers: ClinVar variation 1410556 (VCV001410556.6), dbSNP rs1354153410, ClinGen allele CA389585939.